The following is an entry in ClinVar:

NM_001378902.1(ROS1):c.4498A>G (p.Arg1500Gly)

Gene: ROS1 (ROS proto-oncogene 1, receptor tyrosine kinase; minus strand). Cytogenetic location: 6q22.1.
Variant type: single nucleotide variant.
Coding change: c.4498A>G on transcript NM_001378902.1 (MANE Select); coding-DNA position 4498, A replaced by G.
Protein change: p.Arg1500Gly; replaces arginine 1500 with glycine.
Molecular consequence: missense variant.
Genome position (GRCh38, 1-based): chr6:117,344,068, T>C on the plus strand (A>G on the coding strand, the complement: ROS1 is on the minus strand). VCF-style: chr6-117344068-T-C. GRCh37 (hg19) VCF-style: chr6-117665231-T-C.
Other names: c.4504A>G, p.Arg1502Gly (NM_001378891.1); c.4516A>G, p.Arg1506Gly (NM_002944.3); short protein forms R1506G, R1500G, R1502G.
Identifiers: ClinVar variation 776149 (VCV000776149.11), dbSNP rs35841892, ClinGen allele CA3974687.

ClinVar aggregate classification (germline): Benign. Review status: criteria provided, multiple submitters, no conflicts (2 of 4 stars). 2 submissions from 2 submitters: Benign (2). Last evaluated 2025-06-01.

Allele frequency attached by ClinVar (database versions not stated): gnomAD exomes 0.00199 and 0.00432; ExAC 0.00514; gnomAD 0.01567 and 0.01665; TOPMed 0.01721; 1000 Genomes Project 0.01817; ESP Exome Variant Server 0.01838; 1000 Genomes Project 30x 0.01983.
gnomAD v4.1: 5,407 of 1,611,844 alleles (0.34%); highest among the groups gnomAD compares: African/African-American, 5.2%; 105 homozygotes.

Submissions (2):

CeGaT Center for Human Genetics Tuebingen
Classification: Benign. Last evaluated: 2025-06-01. Review status: criteria provided, single submitter. Criteria: CeGaT Center For Human Genetics Tuebingen Variant Classification Criteria Version 2. Collection method: clinical testing. Allele origin: germline. Affected: yes. Observed: 1 variant allele.
Comment: ROS1: BP4, BS1, BS2

Labcorp Genetics (formerly Invitae), Labcorp
Classification: Benign. Last evaluated: 2018-07-31. Review status: criteria provided, single submitter. Criteria: Invitae Variant Classification Sherloc (09022015). Collection method: clinical testing. Allele origin: germline.